The following is an entry in ClinVar:

ClinVar aggregate classification (germline): Uncertain significance. Review status: criteria provided, multiple submitters, no conflicts (2 of 4 stars). 9 submissions from 9 submitters: Uncertain significance (9). Last evaluated 2026-05-18.

Conditions:
LZTR1-related schwannomatosis. Also called: Schwannomatosis 2; Schwannomatosis-2, susceptibility to. Identifiers: Orphanet 93921, MedGen C3810283, MONDO:0014299, OMIM 615670.
Noonan syndrome 2 (NS2). Identifiers: Orphanet 648, MedGen C1854469, MONDO:0011531, OMIM 605275.
Noonan syndrome 10 (NS10). Identifiers: Orphanet 648, MedGen C4225280, MONDO:0014693, OMIM 616564.
LZTR1-related disorder. Also called: LZTR1-related disorders; LZTR1-related condition.
Hereditary cancer-predisposing syndrome. Also called: Tumor predisposition; Hereditary Cancer Syndrome; Neoplastic Syndromes, Hereditary; Hereditary neoplastic syndrome. Identifiers: Orphanet 140162, MedGen C0027672, MeSH D009386, MONDO:0015356.
Cardiovascular phenotype. Identifiers: MedGen CN230736.

Allele frequency attached by ClinVar (database versions not stated): ExAC 0.00008; gnomAD 0.00018 and 0.00021; 1000 Genomes Project 0.00020; ESP Exome Variant Server 0.00023; 1000 Genomes Project 30x 0.00031.
gnomAD v4.1: 54 of 1,612,196 alleles (0.0033%); highest among the groups gnomAD compares: African/African-American, 0.056%; no homozygotes.

Submissions (9):

PreventionGenetics, part of Exact Sciences
Classification: Uncertain significance for LZTR1-related condition. Last evaluated: 2026-05-18. Review status: criteria provided, single submitter. Criteria: ACMG Guidelines, 2015. Collection method: clinical testing. Allele origin: germline.
Comment: The LZTR1 c.1412G>A variant is predicted to result in the amino acid substitution p.Arg471His. To our knowledge, this variant has not been reported in the literature. This variant is reported in 0.066% of alleles in individuals of African descent in gnomAD. Although we suspect that this variant may be benign, at this time, the clinical significance of this variant is uncertain due to the absence of conclusive functional and genetic evidence.

Labcorp Genetics (formerly Invitae), Labcorp
Classification: Uncertain significance. Last evaluated: 2026-01-17. Review status: criteria provided, single submitter. Criteria: Invitae Variant Classification Sherloc (09022015). Collection method: clinical testing. Allele origin: germline.
Comment: This sequence change replaces arginine, which is basic and polar, with histidine, which is basic and polar, at codon 471 of the LZTR1 protein (p.Arg471His). This variant is present in population databases (rs139031749, gnomAD 0.07%). This variant has not been reported in the literature in individuals affected with LZTR1-related conditions. ClinVar contains an entry for this variant (Variation ID: 1098770). Invitae Evidence Modeling of protein sequence and biophysical properties (such as structural, functional, and spatial information, amino acid conservation, physicochemical variation, residue mobility, and thermodynamic stability) indicates that this missense variant is not expected to disrupt LZTR1 protein function with a negative predictive value of 80%. In summary, the available evidence is currently insufficient to determine the role of this variant in disease. Therefore, it has been classified as a Variant of Uncertain Significance.

GeneDx
Classification: Uncertain significance. Last evaluated: 2025-08-13. Review status: criteria provided, single submitter. Criteria: GeneDx Variant Classification Process June 2021. Collection method: clinical testing. Allele origin: germline. Affected: yes.
Comment: In silico analysis supports that this missense variant has a deleterious effect on protein structure/function; Has not been previously published as pathogenic or benign to our knowledge; This variant is associated with the following publications: (PMID: 24362817)

Clinical Genomics Laboratory, Washington University in St. Louis
Classification: Uncertain significance for Noonan syndrome 10; Noonan syndrome 2. Last evaluated: 2025-05-30. Review status: criteria provided, single submitter. Criteria: ACMG Guidelines, 2015. Collection method: clinical testing. Allele origin: germline.
Comment: An LZTR1 c.1412G>A (p.Arg471His) variant was identified at a near heterozygous allelic fraction of 49.2%, a frequency which may be consistent with it being of germline origin. This variant, to our knowledge, has not been reported in the medical literature. This variant has been reported in the ClinVar database as a germline variant of uncertain significance by multiple submitters (ClinVar Variation ID: 1098770). It is reported in a somatic state in one case in the cancer database COSMIC (Genomic Mutation ID: COSV99302144). This variant is observed in 54/1,612,196 alleles in the general population (gnomAD v4.1.0). Computational predictors are uncertain as to the impact of this variant on LZTR1 function. Due to limited information, and based on ACMG/AMP guidelines for variant interpretation (Richards S et al., PMID: 25741868), the clinical significance of this variant is uncertain at this time.

Women's Health and Genetics/Laboratory Corporation of America, LabCorp
Classification: Uncertain significance. Last evaluated: 2025-03-13. Review status: criteria provided, single submitter. Criteria: LabCorp Variant Classification Summary - May 2015. Collection method: clinical testing. Allele origin: germline.
Comment: Variant summary: LZTR1 c.1412G>A (p.Arg471His) results in a non-conservative amino acid change located in the BTB/POZ domain (IPR000210) of the encoded protein sequence. Four of five in-silico tools predict a damaging effect of the variant on protein function. The variant allele was found at a frequency of 3.3e-05 in 245758 control chromosomes, predominantly at a frequency of 0.00045 within the African or African-American subpopulation in the gnomAD database. The available data on variant occurrences in the general population are insufficient to allow any conclusion about variant significance. To our knowledge, no occurrence of c.1412G>A in individuals affected with Noonan Syndrome 2 and no experimental evidence demonstrating its impact on protein function have been reported. The following publication has been ascertained in the context of this evaluation (PMID: 24362817). ClinVar contains an entry for this variant (Variation ID: 1098770). Based on the evidence outlined above, the variant was classified as uncertain significance.

Ambry Genetics
Classification: Uncertain significance for Cardiovascular phenotype; Hereditary cancer-predisposing syndrome. Last evaluated: 2024-12-31. Review status: criteria provided, single submitter. Criteria: Ambry Variant Classification Scheme 2023. Collection method: clinical testing. Allele origin: germline.
Comment: The p.R471H variant (also known as c.1412G>A), located in coding exon 13 of the LZTR1 gene, results from a G to A substitution at nucleotide position 1412. The arginine at codon 471 is replaced by histidine, an amino acid with highly similar properties. In one study this variant was not detected in any individuals affected by schwannomatosis but was instead reported in two individuals from a control population cohort (Piotrowski A et al. Nat Genet, 2014 Feb;46:182-7). This amino acid position is well conserved in available vertebrate species. In addition, the in silico prediction for this alteration is inconclusive. Based on the available evidence, the clinical significance of this variant remains unclear.

Baylor Genetics
Classification: Uncertain significance for LZTR1-related schwannomatosis. Last evaluated: 2024-02-23. Review status: criteria provided, single submitter. Criteria: ACMG Guidelines, 2015. Collection method: clinical testing. Allele origin: unknown.

Fulgent Genetics
Classification: Uncertain significance for Noonan syndrome 2; LZTR1-related schwannomatosis; Noonan syndrome 10. Last evaluated: 2024-01-16. Review status: criteria provided, single submitter. Criteria: ACMG Guidelines, 2015. Collection method: clinical testing. Allele origin: germline.

St. Jude Molecular Pathology, St. Jude Children's Research Hospital
Classification: Uncertain significance for Noonan syndrome 10. Last evaluated: 2023-09-20. Review status: criteria provided, single submitter. Criteria: St. Jude Assertion Criteria 2020. Collection method: clinical testing. Allele origin: germline.
Comment: The LZTR1 c.1412G>A (p.Arg471His) missense change has a maximum subpopulation frequency of 0.066% in gnomAD v2.1.1. The in silico tool REVEL is inconclusive about a pathogenic or benign effect of this variant on protein function, and to our knowledge functional studies have not been performed. To our knowledge, this variant has not been reported in individuals with Noonan syndrome or Schwannomatosis. In summary, the evidence currently available is insufficient to determine the clinical significance of this variant. It has therefore been classified as of uncertain significance.

Literature cited by the submitters: PubMed 24362817 (cited by Women's Health and Genetics/Laboratory Corporation of America, LabCorp and Ambry Genetics).

NM_006767.4(LZTR1):c.1412G>A (p.Arg471His)

Gene: LZTR1 (leucine zipper like post translational regulator 1; plus strand). Cytogenetic location: 22q11.21.
Variant type: single nucleotide variant.
Coding change: c.1412G>A on transcript NM_006767.4 (MANE Select); coding-DNA position 1412, G replaced by A.
Protein change: p.Arg471His; replaces arginine 471 with histidine.
Molecular consequence: missense variant.
Genome position (GRCh38, 1-based): chr22:20,993,982, G>A. VCF-style: chr22-20993982-G-A. GRCh37 (hg19) VCF-style: chr22-21348271-G-A.
Other names: short protein forms R471H.
Identifiers: ClinVar variation 1098770 (VCV001098770.26), dbSNP rs139031749, ClinGen allele CA10118877.
Genomic context (GRCh38, chr22:20,993,982, plus strand): 5'-AGAAGGAGGAGTGCGTGCAGGGCCACGTAGCCATTGTCACAGCGCGGAGCCGCTGGCTTC[G>A]CAGGAAGATCACGCAGGCGCGGGAGAGGCTGGCCCAGGTGAGGTGCCTAACCGCCCTGCC-3'
Protein context (NP_006758.2, residues 461-481): AIVTARSRWL[Arg471His]RKITQARERL